The following is an entry in ClinVar:

ClinVar aggregate classification (germline): Conflicting classifications of pathogenicity. Review status: criteria provided, conflicting classifications (1 of 4 stars). 7 submissions from 7 submitters: Uncertain significance (5); Likely benign (2). Last evaluated 2026-09-09.

Conditions:
Inborn genetic diseases. Identifiers: MedGen C0950123, MeSH D030342.
Cataract-growth hormone deficiency-sensory neuropathy-sensorineural hearing loss-skeletal dysplasia syndrome. Also called: Cataracts, growth hormone deficiency, sensory neuropathy, sensorineural hearing loss, and skeletal dysplasia. Identifiers: Orphanet 436174, MedGen C4014942, MONDO:0014455, OMIM 616007.
IARS2-related disorder. Also called: IARS2-related condition.

Allele frequency attached by ClinVar (database versions not stated): gnomAD 0.00060 and 0.00061; TOPMed 0.00051; ESP Exome Variant Server 0.00077; gnomAD exomes 0.00037; ExAC 0.00044.

Submissions (7):

Ambry Genetics
Classification: Likely benign for Inborn genetic diseases. Last evaluated: 2026-09-09. Review status: criteria provided, single submitter. Criteria: Ambry Variant Classification Scheme 2023. Collection method: clinical testing. Allele origin: germline.

PreventionGenetics, part of Exact Sciences
Classification: Likely benign for IARS2-related condition. Last evaluated: 2026-07-07. Review status: criteria provided, single submitter. Criteria: ACMG Guidelines, 2015. Collection method: clinical testing. Allele origin: germline.
Comment: This variant is classified as likely benign based on ACMG/AMP sequence variant interpretation guidelines (Richards et al. 2015 PMID: 25741868, with internal and published modifications).

GeneDx
Classification: Uncertain significance. Last evaluated: 2025-04-13. Review status: criteria provided, single submitter. Criteria: GeneDx Variant Classification Process June 2021. Collection method: clinical testing. Allele origin: germline. Affected: yes.
Comment: In silico analysis supports that this missense variant has a deleterious effect on protein structure/function; Has not been previously published as pathogenic or benign to our knowledge

Mayo Clinic Laboratories, Mayo Clinic
Classification: Uncertain significance. Last evaluated: 2025-04-10. Review status: criteria provided, single submitter. Criteria: ACMG Guidelines, 2015. Collection method: clinical testing. Allele origin: germline. Observed: 3 variant alleles.
Comment: BP4_moderate

Fulgent Genetics
Classification: Uncertain significance for Cataract-growth hormone deficiency-sensory neuropathy-sensorineural hearing loss-skeletal dysplasia syndrome. Last evaluated: 2024-06-19. Review status: criteria provided, single submitter. Criteria: ACMG Guidelines, 2015. Collection method: clinical testing. Allele origin: germline.

Labcorp Genetics (formerly Invitae), Labcorp
Classification: Uncertain significance. Last evaluated: 2022-10-17. Review status: criteria provided, single submitter. Criteria: Invitae Variant Classification Sherloc (09022015). Collection method: clinical testing. Allele origin: germline.
Comment: This sequence change replaces serine, which is neutral and polar, with phenylalanine, which is neutral and non-polar, at codon 339 of the IARS2 protein (p.Ser339Phe). This variant is present in population databases (rs139437119, gnomAD 0.08%). This variant has not been reported in the literature in individuals affected with IARS2-related conditions. ClinVar contains an entry for this variant (Variation ID: 1032019). Algorithms developed to predict the effect of missense changes on protein structure and function are either unavailable or do not agree on the potential impact of this missense change (SIFT: "Deleterious"; PolyPhen-2: "Benign"; Align-GVGD: "Class C0"). In summary, the available evidence is currently insufficient to determine the role of this variant in disease. Therefore, it has been classified as a Variant of Uncertain Significance.

Baylor Genetics
Classification: Uncertain significance for Cataract-growth hormone deficiency-sensory neuropathy-sensorineural hearing loss-skeletal dysplasia syndrome. Last evaluated: 2018-05-16. Review status: criteria provided, single submitter. Criteria: ACMG Guidelines, 2015. Collection method: clinical testing. Allele origin: unknown. Affected: yes.
Comment: This variant was determined to be of uncertain significance according to ACMG Guidelines, 2015 [PMID:25741868].

NM_018060.4(IARS2):c.1016C>T (p.Ser339Phe)

Gene: IARS2 (isoleucyl-tRNA synthetase 2, mitochondrial; plus strand). Cytogenetic location: 1q41.
Variant type: single nucleotide variant.
Coding change: c.1016C>T on transcript NM_018060.4 (MANE Select); coding-DNA position 1016, C replaced by T.
Protein change: p.Ser339Phe; replaces serine 339 with phenylalanine.
Molecular consequence: missense variant.
Genome position (GRCh38, 1-based): chr1:220,103,512, C>T. VCF-style: chr1-220103512-C-T. GRCh37 (hg19) VCF-style: chr1-220276854-C-T.
Other names: p.Ser339Phe; short protein forms S339F.
Identifiers: ClinVar variation 1032019 (VCV001032019.12), dbSNP rs139437119, ClinGen allele CA1401281.